The following is an entry in ClinVar:

NM_017934.7(PHIP):c.1242C>T (p.Asn414=)

Gene: PHIP (PHIP subunit of CUL4-Ring ligase complex; minus strand). Cytogenetic location: 6q14.1.
Variant type: single nucleotide variant.
Coding change: c.1242C>T on transcript NM_017934.7 (MANE Select); coding-DNA position 1242, C replaced by T.
Protein change: p.Asn414=; no amino-acid change (asparagine 414 retained).
Molecular consequence: synonymous variant.
Genome position (GRCh38, 1-based): chr6:79,015,777, G>A on the plus strand (C>T on the coding strand, the complement: PHIP is on the minus strand). VCF-style: chr6-79015777-G-A. GRCh37 (hg19) VCF-style: chr6-79725494-G-A.
Identifiers: ClinVar variation 3350250 (VCV003350250.4).
Genomic context (GRCh38, chr6:79,015,777, plus strand): 5'-TCGATCCCAAGCTACCATAGTAACCTTCATTTTTGTGATTTTATCTTCTATTCCTTGAAG[G>A]TTTTGGCTGAAAGTGAGGAAGTGTTTTACACTGACTATTAAAATACTGACACAACAAAAA-3'
Protein context (NP_060404.4, residues 404-424): LDMATRPAGQ[Asn414=]LQGIEDKITK

ClinVar aggregate classification (germline): Likely benign. Review status: criteria provided, multiple submitters, no conflicts (2 of 4 stars). 3 submissions from 3 submitters: Likely benign (2). 1 of the submissions does not count toward it. Last evaluated 2024-10-28.

Conditions:
PHIP-related disorder. Also called: PHIP-related condition; PHIP-related disorders.

gnomAD v4.1: 41 of 1,607,316 alleles (0.0026%); highest among the groups gnomAD compares: Non-Finnish European, 0.0035%; no homozygotes.

Submissions (3):

Labcorp Genetics (formerly Invitae), Labcorp
Classification: Likely benign. Last evaluated: 2024-10-28. Review status: criteria provided, single submitter. Criteria: Invitae Variant Classification Sherloc (09022015). Collection method: clinical testing. Allele origin: germline.

Blueprint Genetics
Classification: Likely benign. Last evaluated: 2021-04-07. Review status: criteria provided, single submitter. Criteria: ACMG Guidelines, 2015. Collection method: clinical testing. Allele origin: germline.

PreventionGenetics, part of Exact Sciences
Classification: Likely benign for PHIP-related condition. Last evaluated: 2021-11-30. Review status: no assertion criteria provided. Collection method: clinical testing. Allele origin: germline. Not counted in ClinVar's aggregate classification.
Comment: This variant is classified as likely benign based on ACMG/AMP sequence variant interpretation guidelines (Richards et al. 2015 PMID: 25741868, with internal and published modifications).